The following is an entry in ClinVar:

NM_018429.3(BDP1):c.2804G>T (p.Arg935Ile)

Gene: BDP1 (BDP1 general transcription factor IIIB subunit; plus strand). Cytogenetic location: 5q13.2.
Variant type: single nucleotide variant.
Coding change: c.2804G>T on transcript NM_018429.3 (MANE Select); coding-DNA position 2804, G replaced by T.
Protein change: p.Arg935Ile; replaces arginine 935 with isoleucine.
Molecular consequence: missense variant.
Genome position (GRCh38, 1-based): chr5:71,509,896, G>T. VCF-style: chr5-71509896-G-T. GRCh37 (hg19) VCF-style: chr5-70805723-G-T.
Other names: short protein forms R935I.
Identifiers: ClinVar variation 1028111 (VCV001028111.6), dbSNP rs200898204, ClinGen allele CA3296370.
Genomic context (GRCh38, chr5:71,509,896, plus strand): 5'-CGCCAGAGGTGATTGATGCCACTGAGGAAATAGACAAAGATTTGGAAGAAGCTGGAAGAA[G>T]AGAAATATCCCCACAGAAAAATGGCCCAGAGGAGGTTAAGCCTCTAGGTGAAGTGGAGAC-3'
Protein context (NP_060899.2, residues 925-945): IDKDLEEAGR[Arg935Ile]EISPQKNGPE

ClinVar aggregate classification (germline): Uncertain significance. Review status: criteria provided, multiple submitters, no conflicts (2 of 4 stars). 4 submissions from 4 submitters: Uncertain significance (4). Last evaluated 2024-02-14.

Conditions:
Hearing loss, autosomal recessive 112. Also called: DEAFNESS, AUTOSOMAL RECESSIVE 112. Identifiers: MedGen C4748855, MONDO:0032639, OMIM 618257.

Allele frequency attached by ClinVar (database versions not stated): gnomAD 0.00017; TOPMed 0.00019; gnomAD exomes 0.00021 and 0.00022; ExAC 0.00025; ESP Exome Variant Server 0.00050.
gnomAD v4.1: 344 of 1,614,064 alleles (0.021%); highest among the groups gnomAD compares: Middle Eastern, 0.13%; 1 homozygote.

Submissions (4):

Ambry Genetics
Classification: Uncertain significance. Last evaluated: 2024-02-14. Review status: criteria provided, single submitter. Criteria: Ambry Variant Classification Scheme 2023. Collection method: clinical testing. Allele origin: germline.

Fulgent Genetics
Classification: Uncertain significance for Hearing loss, autosomal recessive 112. Last evaluated: 2021-07-06. Review status: criteria provided, single submitter. Criteria: ACMG Guidelines, 2015. Collection method: clinical testing. Allele origin: unknown.

Baylor Genetics
Classification: Uncertain significance for Hearing loss, autosomal recessive 112. Last evaluated: 2019-06-07. Review status: criteria provided, single submitter. Criteria: ACMG Guidelines, 2015. Collection method: clinical testing. Allele origin: unknown. Affected: yes.
Comment: This variant was determined to be of uncertain significance according to ACMG Guidelines, 2015 [PMID:25741868].

Breakthrough Genomics
Classification: Uncertain significance. Review status: criteria provided, single submitter. Criteria: ACMG Guidelines, 2015. Collection method: not provided. Allele origin: germline. Inheritance: Autosomal recessive inheritance. Affected: yes.